The following is an entry in ClinVar:

ClinVar aggregate classification (germline): Pathogenic. Review status: criteria provided, single submitter (1 of 4 stars). 2 submissions from 2 submitters: Pathogenic (1). 1 of the submissions does not count toward it. Last evaluated 2023-10-18.

Conditions:
Bardet-Biedl syndrome (BBS). Identifiers: Orphanet 110, MedGen C0752166, MONDO:0015229.
BBS7-related disorder. Also called: BBS7-related condition.

Allele frequency attached by ClinVar (database versions not stated): gnomAD exomes 0.00002.

Submissions (2):

Labcorp Genetics (formerly Invitae), Labcorp
Classification: Pathogenic for Bardet-Biedl syndrome. Last evaluated: 2023-10-18. Review status: criteria provided, single submitter. Criteria: Invitae Variant Classification Sherloc (09022015). Collection method: clinical testing. Allele origin: germline.
Comment: This sequence change creates a premature translational stop signal (p.Arg504*) in the BBS7 gene. It is expected to result in an absent or disrupted protein product. Loss-of-function variants in BBS7 are known to be pathogenic (PMID: 12567324, 19402160, 21209035, 31196119). This variant is not present in population databases (gnomAD no frequency). This variant has not been reported in the literature in individuals affected with BBS7-related conditions. ClinVar contains an entry for this variant (Variation ID: 1453288). Algorithms developed to predict the effect of sequence changes on RNA splicing suggest that this variant may create or strengthen a splice site. For these reasons, this variant has been classified as Pathogenic.

PreventionGenetics, part of Exact Sciences
Classification: Likely pathogenic for BBS7-related condition. Last evaluated: 2024-09-03. Review status: no assertion criteria provided. Collection method: clinical testing. Allele origin: germline. Not counted in ClinVar's aggregate classification.
Comment: The BBS7 c.1510A>T variant is predicted to result in premature protein termination (p.Arg504*). To our knowledge, this variant has not been reported in the literature or a large population database, indicating it is rare. Nonsense variants in BBS7 are expected to be pathogenic. This variant is interpreted as likely pathogenic.

Literature cited by the submitters: PubMed 12567324 (cited by Labcorp Genetics (formerly Invitae), Labcorp); PubMed 19402160 (cited by Labcorp Genetics (formerly Invitae), Labcorp); PubMed 21209035 (cited by Labcorp Genetics (formerly Invitae), Labcorp); PubMed 31196119 (cited by Labcorp Genetics (formerly Invitae), Labcorp).

NM_176824.3(BBS7):c.1510A>T (p.Arg504Ter)

Gene: BBS7 (Bardet-Biedl syndrome 7; minus strand). Cytogenetic location: 4q27.
Variant type: single nucleotide variant.
Coding change: c.1510A>T on transcript NM_176824.3 (MANE Select); coding-DNA position 1510, A replaced by T.
Protein change: p.Arg504Ter; replaces arginine 504 with a stop codon.
Molecular consequence: nonsense.
Genome position (GRCh38, 1-based): chr4:121,835,145, T>A on the plus strand (A>T on the coding strand, the complement: BBS7 is on the minus strand). VCF-style: chr4-121835145-T-A. GRCh37 (hg19) VCF-style: chr4-122756300-T-A.
Other names: c.1510A>T, p.Arg504Ter (NM_018190.4); c.1510A>T (NM_176824.2); short protein forms R504*.
Identifiers: ClinVar variation 1453288 (VCV001453288.7), dbSNP rs1725385758, ClinGen allele CA358058349.
Genomic context (GRCh38, chr4:121,835,145, plus strand): 5'-ACAGGTCTATTTGAATTGTGTAATATCCTAAAAAGAATTTGCTCTTTCCTTTGTCCTACC[T>A]GTCATGATCAATAAAGTGAGTTCTTTGATGGAGTGAAAGAGGTTTGATGTGGTACTGGCG-3'